The following is an entry in ClinVar:

NM_005033.3(EXOSC9):c.1157-5del

Gene: EXOSC9 (exosome component 9; plus strand). Cytogenetic location: 4q27.
Variant type: Deletion.
Coding change: c.1157-5del on transcript NM_005033.3 (MANE Select); 5 bases into the intron before coding-DNA position 1157, one base deleted (C; older notation c.1157-5delC).
Molecular consequence: intron variant.
Genome position (GRCh38, 1-based): chr4:121,816,364, C deleted. VCF-style (leftmost placement, unchanged base first): chr4-121816363-AC-A. GRCh37 (hg19) VCF-style: chr4-122737518-AC-A.
Other names: c.1208-5del (NM_001034194.2).
Identifiers: ClinVar variation 1639630 (VCV001639630.40), dbSNP rs749556527, ClinGen allele CA3063671.

ClinVar aggregate classification (germline): Likely benign. Review status: criteria provided, multiple submitters, no conflicts (2 of 4 stars). 3 submissions from 3 submitters: Likely benign (3). Last evaluated 2026-01-26.

Allele frequency attached by ClinVar (database versions not stated): gnomAD exomes 0.00057 and 0.00068; gnomAD 0.00061 and 0.00063; ExAC 0.00154.

Submissions (3):

Labcorp Genetics (formerly Invitae), Labcorp
Classification: Likely benign. Last evaluated: 2026-01-26. Review status: criteria provided, single submitter. Criteria: Invitae Variant Classification Sherloc (09022015). Collection method: clinical testing. Allele origin: germline.

Blueprint Genetics
Classification: Likely benign. Last evaluated: 2024-11-20. Review status: criteria provided, single submitter. Criteria: ACMG Guidelines, 2015. Collection method: clinical testing. Allele origin: germline.

CeGaT Center for Human Genetics Tuebingen
Classification: Likely benign. Last evaluated: 2023-10-01. Review status: criteria provided, single submitter. Criteria: CeGaT Center For Human Genetics Tuebingen Variant Classification Criteria Version 2. Collection method: clinical testing. Allele origin: germline. Affected: yes. Observed: 2 variant alleles.
Comment: EXOSC9: BP4